The following is an entry in ClinVar:

ClinVar aggregate classification (germline): Uncertain significance. Review status: criteria provided, multiple submitters, no conflicts (2 of 4 stars). 4 submissions from 4 submitters: Uncertain significance (4). Last evaluated 2024-06-10.

Conditions:
Hereditary cancer-predisposing syndrome. Also called: Tumor predisposition; Hereditary neoplastic syndrome; Neoplastic Syndromes, Hereditary; Hereditary Cancer Syndrome. Identifiers: Orphanet 140162, MedGen C0027672, MeSH D009386, MONDO:0015356.
Microcephaly, normal intelligence and immunodeficiency (NBS). Also called: Immunodeficiency, microcephaly with normal intelligence; BERLIN BREAKAGE SYNDROME; IMMUNODEFICIENCY, MICROCEPHALY, AND CHROMOSOMAL INSTABILITY; SEEMANOVA SYNDROME II; Ataxia telangiectasia variant V1; Nijmegen breakage syndrome. Identifiers: Orphanet 647, MedGen C0398791, MONDO:0009623, OMIM 251260.

Submissions (4):

Labcorp Genetics (formerly Invitae), Labcorp
Classification: Uncertain significance for Microcephaly, normal intelligence and immunodeficiency. Last evaluated: 2024-06-10. Review status: criteria provided, single submitter. Criteria: Invitae Variant Classification Sherloc (09022015). Collection method: clinical testing. Allele origin: germline.
Comment: This variant, c.2155_2157dup, results in the insertion of 1 amino acid(s) of the NBN protein (p.Leu719dup), but otherwise preserves the integrity of the reading frame. This variant is not present in population databases (gnomAD no frequency). This variant has not been reported in the literature in individuals affected with NBN-related conditions. ClinVar contains an entry for this variant (Variation ID: 219765). Experimental studies and prediction algorithms are not available or were not evaluated, and the functional significance of this variant is currently unknown. In summary, the available evidence is currently insufficient to determine the role of this variant in disease. Therefore, it has been classified as a Variant of Uncertain Significance.

GeneDx
Classification: Uncertain significance. Last evaluated: 2023-05-31. Review status: criteria provided, single submitter. Criteria: GeneDx Variant Classification Process June 2021. Collection method: clinical testing. Allele origin: germline. Affected: yes.
Comment: Not observed at significant frequency in large population cohorts (gnomAD); In-frame insertion of one amino acid in a non-repeat region; In silico analysis supports a deleterious effect on protein structure/function; Has not been previously published as pathogenic or benign to our knowledge

Ambry Genetics
Classification: Uncertain significance for Hereditary cancer-predisposing syndrome. Last evaluated: 2023-04-20. Review status: criteria provided, single submitter. Criteria: Ambry Variant Classification Scheme 2023. Collection method: clinical testing. Allele origin: germline.
Comment: The c.2155_2157dupCTA variant (also known as p.L719dup), located in coding exon 14 of the NBN gene, results from an in-frame duplication of CTA at nucleotide positions 2155 to 2157. This results in the duplication of an extra leucine residue between codons 719 and 720. This amino acid position is highly conserved in available vertebrate species. This variant was not reported in population-based cohorts in the Genome Aggregation Database (gnomAD). In addition, this alteration is predicted to be deleterious by in silico analysis (Choi Y et al. PLoS ONE. 2012; 7(10):e46688). Since supporting evidence is limited at this time, the clinical significance of this alteration remains unclear.

Genome-Nilou Lab
Classification: Uncertain significance for Microcephaly, normal intelligence and immunodeficiency. Last evaluated: 2021-11-07. Review status: criteria provided, single submitter. Criteria: ACMG Guidelines, 2015. Collection method: clinical testing. Allele origin: germline. Affected: no.

NM_002485.5(NBN):c.2155_2157dup (p.Leu719dup)

Gene: NBN (nibrin; minus strand). Cytogenetic location: 8q21.3.
Variant type: Duplication.
Coding change: c.2155_2157dup on transcript NM_002485.5 (MANE Select); coding-DNA positions 2155 to 2157, 3 bases duplicated (CTA; older notation c.2155_2157dupCTA).
Protein change: p.Leu719dup; duplicates leucine 719.
Molecular consequence: inframe insertion.
Genome position (GRCh38, 1-based): chr8:89,943,280-89,943,282, TAG duplicated on the plus strand (CTA on the coding strand, the reverse complement: NBN is on the minus strand); duplicating any 3 consecutive bases within chr8:89,943,280-89,943,283 gives the same sequence; the c. name uses the placement nearest the transcript's 3' end. VCF-style (leftmost placement, unchanged base first): chr8-89943279-C-CTAG. GRCh37 (hg19) VCF-style: chr8-90955507-C-CTAG.
Other names: c.2155_2157dupCTA (NM_002485.4); c.1909_1911dup, p.Leu637dup (NM_001024688.3).
Identifiers: ClinVar variation 219765 (VCV000219765.18), dbSNP rs864622241, ClinGen allele CA350756.